The following is an entry in ClinVar:

NM_017866.6(TMEM70):c.764G>A (p.Arg255Gln)

Gene: TMEM70 (transmembrane protein 70; plus strand). Cytogenetic location: 8q21.11.
Variant type: single nucleotide variant.
Coding change: c.764G>A on transcript NM_017866.6 (MANE Select); coding-DNA position 764, G replaced by A.
Protein change: p.Arg255Gln; replaces arginine 255 with glutamine.
Molecular consequence: missense variant. On other transcripts: 3 prime UTR variant (1), non-coding transcript variant (1).
Genome position (GRCh38, 1-based): chr8:73,981,602, G>A. VCF-style: chr8-73981602-G-A. GRCh37 (hg19) VCF-style: chr8-74893837-G-A.
Other names: p.R255Q:CGG>CAG; c.*454G>A (NM_001040613.3); short protein forms R255Q.
Identifiers: ClinVar variation 203982 (VCV000203982.9), dbSNP rs149823637, ClinGen allele CA313072.

ClinVar aggregate classification (germline): Conflicting classifications of pathogenicity. Review status: criteria provided, conflicting classifications (1 of 4 stars). 4 submissions from 4 submitters: Uncertain significance (2); Likely benign (2). Last evaluated 2024-06-12.

Conditions:
Inborn genetic diseases. Identifiers: MedGen C0950123, MeSH D030342.
Mitochondrial complex V (ATP synthase) deficiency, nuclear type 2. Also called: ENCEPHALOCARDIOMYOPATHY, MITOCHONDRIAL, NEONATAL, DUE TO ATP SYNTHASE DEFICIENCY; MITOCHONDRIAL COMPLEX V (ATP SYNTHASE) DEFICIENCY, TMEM70 TYPE; Nuclear-Encoded ATPase Deficiency, TMEM70-Related. Identifiers: Orphanet 1194, MedGen C3279699, MONDO:0013546, OMIM 614052.

Allele frequency attached by ClinVar (database versions not stated): ExAC 0.00008; gnomAD exomes 0.00007; gnomAD 0.00009; ESP Exome Variant Server 0.00023; TOPMed 0.00009.

Submissions (4):

Fulgent Genetics
Classification: Uncertain significance for Mitochondrial complex V (ATP synthase) deficiency, nuclear type 2. Last evaluated: 2024-06-12. Review status: criteria provided, single submitter. Criteria: ACMG Guidelines, 2015. Collection method: clinical testing. Allele origin: germline.

Ambry Genetics
Classification: Likely benign for Inborn genetic diseases. Last evaluated: 2024-03-31. Review status: criteria provided, single submitter. Criteria: Ambry Variant Classification Scheme 2023. Collection method: clinical testing. Allele origin: germline.

Labcorp Genetics (formerly Invitae), Labcorp
Classification: Uncertain significance for Mitochondrial complex V (ATP synthase) deficiency, nuclear type 2. Last evaluated: 2022-03-13. Review status: criteria provided, single submitter. Criteria: Invitae Variant Classification Sherloc (09022015). Collection method: clinical testing. Allele origin: germline.
Comment: This sequence change replaces arginine, which is basic and polar, with glutamine, which is neutral and polar, at codon 255 of the TMEM70 protein (p.Arg255Gln). This variant is present in population databases (rs149823637, gnomAD 0.03%). This variant has not been reported in the literature in individuals affected with TMEM70-related conditions. ClinVar contains an entry for this variant (Variation ID: 203982). Algorithms developed to predict the effect of missense changes on protein structure and function output the following: SIFT: "Tolerated"; PolyPhen-2: "Benign"; Align-GVGD: "Class C0". The glutamine amino acid residue is found in multiple mammalian species, which suggests that this missense change does not adversely affect protein function. In summary, the available evidence is currently insufficient to determine the role of this variant in disease. Therefore, it has been classified as a Variant of Uncertain Significance.

GeneDx
Classification: Likely benign. Last evaluated: 2014-07-21. Review status: criteria provided, single submitter. Criteria: GeneDx Variant Classification (06012015). Collection method: clinical testing. Allele origin: germline. Affected: yes.
Comment: This variant is considered likely benign or benign based on one or more of the following criteria: it is a conservative change, it occurs at a poorly conserved position in the protein, it is predicted to be benign by multiple in silico algorithms, and/or has population frequency not consistent with disease.